The following is an entry in ClinVar:

ClinVar aggregate classification (germline): Uncertain significance (1 of 4 stars; one submission).

Conditions:
Anterior segment dysgenesis. Also called: Ocular anterior segment dysgenesis. Identifiers: Orphanet 88632, MedGen C1862839, MONDO:0019503, HP:0007700.
Congenital primary aphakia. Also called: Anterior segment dysgenesis 2, multiple subtypes; ANTERIOR SEGMENT DYSGENESIS 2. Identifiers: Orphanet 83461, MedGen C1853230, MONDO:0012456, OMIM 610256.

Submission:

Labcorp Genetics (formerly Invitae), Labcorp
Classification: Uncertain significance for Anterior segment dysgenesis; Congenital primary aphakia. Last evaluated: 2025-04-29. Review status: criteria provided, single submitter. Criteria: Invitae Variant Classification Sherloc (09022015). Collection method: clinical testing. Allele origin: germline.
Comment: This sequence change replaces proline, which is neutral and non-polar, with leucine, which is neutral and non-polar, at codon 252 of the FOXE3 protein (p.Pro252Leu). This variant is not present in population databases (gnomAD no frequency). This variant has not been reported in the literature in individuals affected with FOXE3-related conditions. Invitae Evidence Modeling of protein sequence and biophysical properties (such as structural, functional, and spatial information, amino acid conservation, physicochemical variation, residue mobility, and thermodynamic stability) indicates that this missense variant is not expected to disrupt FOXE3 protein function with a negative predictive value of 80%. In summary, the available evidence is currently insufficient to determine the role of this variant in disease. Therefore, it has been classified as a Variant of Uncertain Significance.

NM_012186.3(FOXE3):c.755C>T (p.Pro252Leu)

Genes: FOXE3 (forkhead box E3; plus strand), LINC01389 (long independently transcribed non-coding RNA 1389; minus strand). Cytogenetic location: 1p33.
Variant type: single nucleotide variant.
Coding change: c.755C>T on transcript NM_012186.3 (MANE Select); coding-DNA position 755, C replaced by T.
Protein change: p.Pro252Leu; replaces proline 252 with leucine.
Molecular consequence: missense variant.
Genome position (GRCh38, 1-based): chr1:47,417,070, C>T. VCF-style: chr1-47417070-C-T. GRCh37 (hg19) VCF-style: chr1-47882742-C-T.
Other names: short protein forms P252L.
Identifiers: ClinVar variation 4790321 (VCV004790321.1).